The following is an entry in ClinVar:

NM_006231.4(POLE):c.205-2A>G

Gene: POLE (DNA polymerase epsilon, catalytic subunit; minus strand). Cytogenetic location: 12q24.33.
Variant type: single nucleotide variant.
Coding change: c.205-2A>G on transcript NM_006231.4 (MANE Select); the canonical splice acceptor site of the intron before coding-DNA position 205, A replaced by G.
Molecular consequence: splice acceptor variant.
Genome position (GRCh38, 1-based): chr12:132,680,689, T>C on the plus strand (A>G on the coding strand, the complement: POLE is on the minus strand). VCF-style: chr12-132680689-T-C. GRCh37 (hg19) VCF-style: chr12-133257275-T-C.
Identifiers: ClinVar variation 944485 (VCV000944485.11), dbSNP rs2043148194, ClinGen allele CA387369483.

ClinVar aggregate classification (germline): Conflicting classifications of pathogenicity. Review status: criteria provided, conflicting classifications (1 of 4 stars). 2 submissions from 2 submitters: Likely pathogenic (1); Uncertain significance (1). Last evaluated 2025-01-29.

Submissions (2):

Labcorp Genetics (formerly Invitae), Labcorp
Classification: Likely pathogenic. Last evaluated: 2025-01-29. Review status: criteria provided, single submitter. Criteria: Invitae Variant Classification Sherloc (09022015). Collection method: clinical testing. Allele origin: germline.
Comment: This sequence change affects an acceptor splice site in intron 2 of the POLE gene. It is expected to disrupt RNA splicing. Variants that disrupt the donor or acceptor splice site typically lead to a loss of protein function (PMID: 16199547), and loss-of-function variants in POLE are known to be pathogenic (PMID: 23230001, 25948378, 30503519). This variant is not present in population databases (gnomAD no frequency). This variant has not been reported in the literature in individuals affected with POLE-related conditions. ClinVar contains an entry for this variant (Variation ID: 944485). Algorithms developed to predict the effect of sequence changes on RNA splicing suggest that this variant may disrupt the consensus splice site. In summary, the currently available evidence indicates that the variant is pathogenic, but additional data are needed to prove that conclusively. Therefore, this variant has been classified as Likely Pathogenic.

GeneDx
Classification: Uncertain significance. Last evaluated: 2019-12-23. Review status: criteria provided, single submitter. Criteria: GeneDx Variant Classification Process June 2021. Collection method: clinical testing. Allele origin: germline. Affected: yes.
Comment: Has not been previously published as pathogenic or benign to our knowledge; Canonical splice site variant predicted to result in an in-frame deletion of exon 3; Not observed in large population cohorts (Lek 2016)

Literature cited by the submitters: PubMed 16199547 (cited by Labcorp Genetics (formerly Invitae), Labcorp); PubMed 23230001 (cited by Labcorp Genetics (formerly Invitae), Labcorp); PubMed 25948378 (cited by Labcorp Genetics (formerly Invitae), Labcorp); PubMed 30503519 (cited by Labcorp Genetics (formerly Invitae), Labcorp).